The following is an entry in ClinVar:

ClinVar aggregate classification (germline): Uncertain significance (1 of 4 stars; one submission).

Conditions:
Inborn genetic diseases. Identifiers: MedGen C0950123, MeSH D030342.

Submission:

Ambry Genetics
Classification: Uncertain significance for Inborn genetic diseases. Last evaluated: 2026-06-15. Review status: criteria provided, single submitter. Criteria: Ambry Variant Classification Scheme 2023. Collection method: clinical testing. Allele origin: germline.
Comment: The p.M556K variant (also known as c.1667T>A), located in coding exon 18 of the FANCA gene, results from a T to A substitution at nucleotide position 1667. The methionine at codon 556 is replaced by lysine, an amino acid with similar properties. This amino acid position is conserved. In addition, this alteration is predicted to be tolerated by in silico analysis. Based on the available evidence, the clinical significance of this variant remains unclear.

NM_000135.4(FANCA):c.1667T>A (p.Met556Lys)

Gene: FANCA (FA complementation group A; minus strand). Cytogenetic location: 16q24.3.
Variant type: single nucleotide variant.
Coding change: c.1667T>A on transcript NM_000135.4 (MANE Select); coding-DNA position 1667, T replaced by A.
Protein change: p.Met556Lys; replaces methionine 556 with lysine.
Molecular consequence: missense variant.
Genome position (GRCh38, 1-based): chr16:89,779,917, A>T on the plus strand (T>A on the coding strand, the complement: FANCA is on the minus strand). VCF-style: chr16-89779917-A-T. GRCh37 (hg19) VCF-style: chr16-89846325-A-T.
Other names: c.1667T>A, p.Met556Lys (NM_001286167.3); short protein forms M556K.
Identifiers: ClinVar variation 5036308 (VCV005036308.1).